The following is an entry in ClinVar:

ClinVar aggregate classification (germline): Pathogenic (1 of 4 stars; one submission).

Conditions:
Familial dysautonomia. Also called: HSAN III; FD. Identifiers: Orphanet 1764, MedGen C0013364, MONDO:0009131, OMIM 223900. Disease mechanism: loss of function.

Submission:

Myriad Genetics, Inc.
Classification: Pathogenic for Familial dysautonomia. Last evaluated: 2025-06-15. Review status: criteria provided, single submitter. Criteria: Myriad Autosomal Dominant, Autosomal Recessive and X-Linked Classification Criteria (2023). Collection method: clinical testing. Allele origin: unknown.
Comment: NM_003640.3(ELP1):c.3291C>A(Y1097*) is expected to be pathogenic in the context of familial dysautonomia. This variant is predicted to lead to an abnormal or absent protein product due to the creation of a premature termination codon in ELP1, a gene where loss-of-function variants are known to be pathogenic. Please note: this variant was assessed in the context of healthy population screening.

NM_003640.5(ELP1):c.3291C>A (p.Tyr1097Ter)

Gene: ELP1 (elongator acetyltransferase complex subunit 1; minus strand). Cytogenetic location: 9q31.3.
Variant type: single nucleotide variant.
Coding change: c.3291C>A on transcript NM_003640.5 (MANE Select); coding-DNA position 3291, C replaced by A.
Protein change: p.Tyr1097Ter; replaces tyrosine 1097 with a stop codon.
Molecular consequence: nonsense.
Genome position (GRCh38, 1-based): chr9:108,881,760, G>T on the plus strand (C>A on the coding strand, the complement: ELP1 is on the minus strand). VCF-style: chr9-108881760-G-T. GRCh37 (hg19) VCF-style: chr9-111644040-G-T.
Other names: c.2949C>A, p.Tyr983Ter (NM_001318360.2); c.2244C>A, p.Tyr748Ter (NM_001330749.2); short protein forms Y1097*, Y748*, Y983*.
Identifiers: ClinVar variation 5014606 (VCV005014606.1).